The following is an entry in ClinVar:

ClinVar aggregate classification (germline): Uncertain significance (1 of 4 stars; one submission).

Conditions:
Deficiency of alpha-mannosidase (MANSA). Also called: Alpha-Mannosidosis; Mannosidosis, alpha-, types I and II; LYSOSOMAL ALPHA-D-MANNOSIDASE DEFICIENCY. Identifiers: Orphanet 61, MedGen C0024748, MONDO:0009561, OMIM 248500.

Allele frequency attached by ClinVar (database versions not stated): gnomAD 0.00001.
gnomAD v4.1: 1 of 1,613,398 alleles (0.000062%); highest among the groups gnomAD compares: Admixed American, 0.0017%; no homozygotes.

Submission:

Labcorp Genetics (formerly Invitae), Labcorp
Classification: Uncertain significance for Deficiency of alpha-mannosidase. Last evaluated: 2022-06-12. Review status: criteria provided, single submitter. Criteria: Invitae Variant Classification Sherloc (09022015). Collection method: clinical testing. Allele origin: germline.
Comment: This variant is not present in population databases (gnomAD no frequency). In summary, the available evidence is currently insufficient to determine the role of this variant in disease. Therefore, it has been classified as a Variant of Uncertain Significance. Algorithms developed to predict the effect of missense changes on protein structure and function output the following: SIFT: "Tolerated"; PolyPhen-2: "Benign"; Align-GVGD: "Class C0". The valine amino acid residue is found in multiple mammalian species, which suggests that this missense change does not adversely affect protein function. This variant has not been reported in the literature in individuals affected with MAN2B1-related conditions. This sequence change replaces alanine, which is neutral and non-polar, with valine, which is neutral and non-polar, at codon 417 of the MAN2B1 protein (p.Ala417Val).

NM_000528.4(MAN2B1):c.1250C>T (p.Ala417Val)

Gene: MAN2B1 (mannosidase alpha class 2B member 1; minus strand). Cytogenetic location: 19p13.13.
Variant type: single nucleotide variant.
Coding change: c.1250C>T on transcript NM_000528.4 (MANE Select); coding-DNA position 1250, C replaced by T.
Protein change: p.Ala417Val; replaces alanine 417 with valine.
Molecular consequence: missense variant.
Genome position (GRCh38, 1-based): chr19:12,658,122, G>A on the plus strand (C>T on the coding strand, the complement: MAN2B1 is on the minus strand). VCF-style: chr19-12658122-G-A. GRCh37 (hg19) VCF-style: chr19-12768936-G-A.
Other names: c.1247C>T, p.Ala416Val (NM_001173498.2); short protein forms A416V, A417V.
Identifiers: ClinVar variation 2420131 (VCV002420131.4), dbSNP rs762379857, ClinGen allele CA404247497.